The following is an entry in ClinVar:

NM_000038.6(APC):c.4537G>T (p.Glu1513Ter)

Gene: APC (APC regulator of Wnt signaling pathway; plus strand). Cytogenetic location: 5q22.2.
Variant type: single nucleotide variant.
Coding change: c.4537G>T on transcript NM_000038.6 (MANE Select); coding-DNA position 4537, G replaced by T.
Protein change: p.Glu1513Ter; replaces glutamic acid 1513 with a stop codon.
Molecular consequence: nonsense.
Genome position (GRCh38, 1-based): chr5:112,840,131, G>T. VCF-style: chr5-112840131-G-T. GRCh37 (hg19) VCF-style: chr5-112175828-G-T.
Other names: c.4537G>T, p.Glu1513Ter (NM_001127510.3, NM_001354895.2); c.4483G>T, p.Glu1495Ter (NM_001127511.3); c.4591G>T, p.Glu1531Ter (NM_001354896.2); c.4567G>T, p.Glu1523Ter (NM_001354897.2); c.4462G>T, p.Glu1488Ter (NM_001354898.2); c.4453G>T, p.Glu1485Ter (NM_001354899.2); c.4414G>T, p.Glu1472Ter (NM_001354900.2); c.4360G>T, p.Glu1454Ter (NM_001354901.2); and 5 more; short protein forms E1230*, E1353*, E1387*, E1412*, E1422*, E1454*, E1472*, E1485*.
Identifiers: ClinVar variation 1075816 (VCV001075816.48), dbSNP rs1765705285, ClinGen allele CA16031258.

ClinVar aggregate classification (germline): Pathogenic (1 of 4 stars; one submission).

Conditions:
Familial adenomatous polyposis 1 (FAP1). Also called: FAMILIAL ADENOMATOUS POLYPOSIS 1, ATTENUATED; POLYPOSIS, ADENOMATOUS INTESTINAL. Identifiers: MedGen C2713442, MONDO:0021056, OMIM 175100. Disease mechanism: loss of function.

Submission:

Labcorp Genetics (formerly Invitae), Labcorp
Classification: Pathogenic for Familial adenomatous polyposis 1. Last evaluated: 2025-02-06. Review status: criteria provided, single submitter. Criteria: Invitae Variant Classification Sherloc (09022015). Collection method: clinical testing. Allele origin: germline.
Comment: This sequence change creates a premature translational stop signal (p.Glu1513*) in the APC gene. While this is not anticipated to result in nonsense mediated decay, it is expected to disrupt the last 1331 amino acid(s) of the APC protein. This variant is not present in population databases (gnomAD no frequency). This variant has not been reported in the literature in individuals affected with APC-related conditions. ClinVar contains an entry for this variant (Variation ID: 1075816). This variant is expected to disrupt the EB1 and HDLG binding sites, which mediate interactions with the cytoskeleton (PMID: 15311282, 17293347). While functional studies have not been performed to directly test the effect on APC protein function, this suggests that disruption of the C-terminal portion of the protein is functionally important. A different truncation (p.Tyr2645Lysfs*14) that lies downstream of this variant has been determined to be pathogenic (PMID: 9824584, 1316610, 27081525, 8381579, 22135120, internal data). This suggests that deletion of this region of the APC protein is causative of disease. For these reasons, this variant has been classified as Pathogenic.

Literature cited by the submitters: PubMed 15311282; PubMed 17293347; PubMed 9824584; PubMed 1316610; PubMed 27081525; PubMed 8381579; PubMed 22135120.